The following is an entry in ClinVar:

NM_005219.5(DIAPH1):c.3167A>C (p.Gln1056Pro)

Gene: DIAPH1 (diaphanous related formin 1; minus strand). Cytogenetic location: 5q31.3.
Variant type: single nucleotide variant.
Coding change: c.3167A>C on transcript NM_005219.5 (MANE Select); coding-DNA position 3167, A replaced by C.
Protein change: p.Gln1056Pro; replaces glutamine 1056 with proline.
Molecular consequence: missense variant.
Genome position (GRCh38, 1-based): chr5:141,527,679, T>G on the plus strand (A>C on the coding strand, the complement: DIAPH1 is on the minus strand). VCF-style: chr5-141527679-T-G. GRCh37 (hg19) VCF-style: chr5-140907246-T-G.
Other names: c.3140A>C, p.Gln1047Pro (NM_001079812.3); c.3167A>C, p.Gln1056Pro (NM_001314007.2); short protein forms Q1047P, Q1056P.
Identifiers: ClinVar variation 1449581 (VCV001449581.6), dbSNP rs2154594980, ClinGen allele CA361581697.

ClinVar aggregate classification (germline): Uncertain significance (1 of 4 stars; one submission).

Conditions:
Autosomal dominant nonsyndromic hearing loss 1. Also called: KONIGSMARK SYNDROME; DEAFNESS, AUTOSOMAL DOMINANT 1, WITH OR WITHOUT THROMBOCYTOPENIA. Identifiers: Orphanet 90635, MedGen C1852282, MONDO:0007424, OMIM 124900.
Progressive microcephaly-seizures-cortical blindness-developmental delay syndrome. Also called: Seizures, cortical blindness, and microcephaly syndrome. Identifiers: Orphanet 477814, MedGen C5567650, MONDO:0014714, OMIM 616632.

Submission:

Labcorp Genetics (formerly Invitae), Labcorp
Classification: Uncertain significance for Progressive microcephaly-seizures-cortical blindness-developmental delay syndrome; Autosomal dominant nonsyndromic hearing loss 1. Last evaluated: 2024-11-19. Review status: criteria provided, single submitter. Criteria: Invitae Variant Classification Sherloc (09022015). Collection method: clinical testing. Allele origin: germline.
Comment: This sequence change replaces glutamine, which is neutral and polar, with proline, which is neutral and non-polar, at codon 1056 of the DIAPH1 protein (p.Gln1056Pro). This variant is not present in population databases (gnomAD no frequency). This variant has not been reported in the literature in individuals affected with DIAPH1-related conditions. ClinVar contains an entry for this variant (Variation ID: 1449581). An algorithm developed to predict the effect of missense changes on protein structure and function (PolyPhen-2) suggests that this variant is likely to be disruptive. In summary, the available evidence is currently insufficient to determine the role of this variant in disease. Therefore, it has been classified as a Variant of Uncertain Significance.